The following is an entry in ClinVar:

ClinVar aggregate classification (germline): Pathogenic (1 of 4 stars; one submission).

Submission:

Labcorp Genetics (formerly Invitae), Labcorp
Classification: Pathogenic. Last evaluated: 2021-12-31. Review status: criteria provided, single submitter. Criteria: Invitae Variant Classification Sherloc (09022015). Collection method: clinical testing. Allele origin: germline.
Comment: This sequence change creates a premature translational stop signal (p.Ala16Glyfs*3) in the PROSC gene. It is expected to result in an absent or disrupted protein product. Loss-of-function variants in PROSC are known to be pathogenic (PMID: 27912044). This variant is not present in population databases (gnomAD no frequency). This variant has not been reported in the literature in individuals affected with PROSC-related conditions. For these reasons, this variant has been classified as Pathogenic.

Literature cited by the submitters: PubMed 27912044.

NM_007198.4(PLPBP):c.47_53del (p.Ala16fs)

Genes: PLPBP (pyridoxal phosphate binding protein; plus strand), LOC113788277 (Sharpr-MPRA regulatory region 13802; plus strand). Cytogenetic location: 8p11.23.
Variant type: Deletion.
Coding change: c.47_53del on transcript NM_007198.4 (MANE Select); coding-DNA positions 47 to 53, 7 bases deleted (CATTGCG; older notation c.47_53delCATTGCG).
Protein change: p.Ala16fs; shifts the reading frame from alanine 16.
Molecular consequence: frameshift variant. On other transcripts: splice donor variant (1).
Genome position (GRCh38, 1-based): chr8:37,762,706-37,762,712, CATTGCG deleted; deleting any 7 consecutive bases within chr8:37,762,702-37,762,712 gives the same sequence; the c. name uses the placement nearest the transcript's 3' end. VCF-style (leftmost placement, unchanged base first): chr8-37762701-GTGCGCAT-G. GRCh37 (hg19) VCF-style: chr8-37620219-GTGCGCAT-G.
Other names: c.47_53del, p.Ala16fs (NM_001349346.2, NM_001349347.2); c.152_158del, p.Ala51fs (NM_001349349.1); c.-58+6_-58+12del (NM_001349348.2); short protein forms A16fs, A51fs.
Identifiers: ClinVar variation 2066635 (VCV002066635.4), dbSNP rs2487359618, ClinGen allele CA2580078210.